The following is an entry in ClinVar:

NM_004168.4(SDHA):c.1531C>T (p.Leu511=)

Gene: SDHA (succinate dehydrogenase complex flavoprotein subunit A; plus strand). Cytogenetic location: 5p15.33.
Variant type: single nucleotide variant.
Coding change: c.1531C>T on transcript NM_004168.4 (MANE Select); coding-DNA position 1531, C replaced by T.
Protein change: p.Leu511=; no amino-acid change (leucine 511 retained).
Molecular consequence: synonymous variant.
Genome position (GRCh38, 1-based): chr5:240,456, C>T. VCF-style: chr5-240456-C-T. GRCh37 (hg19) VCF-style: chr5-240571-C-T.
Other names: c.1387C>T, p.Leu463= (NM_001294332.2); c.1531C>T, p.Leu511= (NM_001330758.2); c.1531C>T (NM_004168.2).
Identifiers: ClinVar variation 1625699 (VCV001625699.11), dbSNP rs768257880, ClinGen allele CA442692249.
Genomic context (GRCh38, chr5:240,456, plus strand): 5'-GAATCTGTCATGAATCTTGACAAATTGAGATTTGCTGATGGAAGCATAAGAACATCGGAA[C>T]TGCGACTCAGCATGCAGAAGGTAAGAGCCTGGACTCGCTCTGGAGTGAGCAGGAGGGCTG-3'
Protein context (NP_004159.2, residues 501-521): FADGSIRTSE[Leu511=]RLSMQKSMQN

ClinVar aggregate classification (germline): Benign/Likely benign. Review status: criteria provided, multiple submitters, no conflicts (2 of 4 stars). 3 submissions from 3 submitters: Benign (1); Likely benign (2). Last evaluated 2025-03-10.

Conditions:
Pheochromocytoma/paraganglioma syndrome 5. Also called: Paragangliomas 5; SDHA-Related Hereditary Paraganglioma-Pheochromocytoma Syndrome. Identifiers: Orphanet 29072, MedGen C3279992, MONDO:0013602, OMIM 614165.
Mitochondrial complex II deficiency, nuclear type 1. Also called: SUCCINATE CoQ REDUCTASE DEFICIENCY. Identifiers: Orphanet 3208, MedGen C5700310, MONDO:0100294, OMIM 252011.
Hereditary cancer-predisposing syndrome. Also called: Tumor predisposition; Hereditary Cancer Syndrome; Hereditary neoplastic syndrome; Neoplastic Syndromes, Hereditary. Identifiers: Orphanet 140162, MedGen C0027672, MeSH D009386, MONDO:0015356.

gnomAD v4.1: 9 of 1,608,198 alleles (0.00056%); highest among the groups gnomAD compares: Non-Finnish European, 0.00077%; no homozygotes.

Submissions (3):

Myriad Genetics, Inc.
Classification: Benign for Pheochromocytoma/paraganglioma syndrome 5. Last evaluated: 2025-03-10. Review status: criteria provided, single submitter. Criteria: Myriad Autosomal Dominant, Autosomal Recessive and X-Linked Classification Criteria (2023). Collection method: clinical testing. Allele origin: unknown.
Comment: This variant is considered benign. This variant is a silent/synonymous amino acid change and it is not expected to impact splicing.

Labcorp Genetics (formerly Invitae), Labcorp
Classification: Likely benign for Pheochromocytoma/paraganglioma syndrome 5; Mitochondrial complex II deficiency, nuclear type 1. Last evaluated: 2024-05-07. Review status: criteria provided, single submitter. Criteria: Invitae Variant Classification Sherloc (09022015). Collection method: clinical testing. Allele origin: germline.

Ambry Genetics
Classification: Likely benign for Hereditary cancer-predisposing syndrome. Last evaluated: 2023-02-25. Review status: criteria provided, single submitter. Criteria: Ambry Variant Classification Scheme 2023. Collection method: clinical testing. Allele origin: germline.